The following is an entry in ClinVar:

ClinVar aggregate classification (germline): Benign/Likely benign. Review status: criteria provided, multiple submitters, no conflicts (2 of 4 stars). 5 submissions from 5 submitters: Benign (3); Likely benign (2). Last evaluated 2025-10-27.

Conditions:
Tuberous sclerosis syndrome (TSC). Also called: Tuberous Sclerosis Complex; Tuberous sclerosis. Identifiers: Orphanet 805, MedGen C0041341, MONDO:0001734.
Tuberous sclerosis 2 (TSC2). Identifiers: Orphanet 805, MedGen C1860707, MONDO:0013199, OMIM 613254.

Allele frequency attached by ClinVar (database versions not stated): ExAC 0.00002; gnomAD 0.00002 and 0.00001; gnomAD exomes 0.00003 and 0.00001; TOPMed 0.00004.
gnomAD v4.1: 9 of 1,613,834 alleles (0.00056%); highest among the groups gnomAD compares: East Asian, 0.02%; no homozygotes.

Submissions (5):

Labcorp Genetics (formerly Invitae), Labcorp
Classification: Likely benign for Tuberous sclerosis 2. Last evaluated: 2025-10-27. Review status: criteria provided, single submitter. Criteria: Invitae Variant Classification Sherloc (09022015). Collection method: clinical testing. Allele origin: germline.

Myriad Genetics, Inc.
Classification: Benign for Tuberous sclerosis 2. Last evaluated: 2024-09-09. Review status: criteria provided, single submitter. Criteria: Myriad Autosomal Dominant, Autosomal Recessive and X-Linked Classification Criteria (2023). Collection method: clinical testing. Allele origin: unknown.
Comment: This variant is considered benign. This variant is intronic and is not expected to impact mRNA splicing. This variant has been observed at a population frequency that is significantly greater than expected given the associated disease prevalence and penetrance.

Women's Health and Genetics/Laboratory Corporation of America, LabCorp
Classification: Likely benign. Last evaluated: 2023-11-14. Review status: criteria provided, single submitter. Criteria: LabCorp Variant Classification Summary - May 2015. Collection method: clinical testing. Allele origin: germline.
Comment: Variant summary: TSC2 c.2098-9T>C alters a non-conserved nucleotide located at a position not widely known to affect splicing. Consensus agreement among computation tools predict no significant impact on normal splicing. However, these predictions have yet to be confirmed by functional studies. The variant allele was found at a frequency of 2.8e-05 in 251018 control chromosomes. The available data on variant occurrences in the general population are insufficient to allow any conclusion about variant significance. To our knowledge, no occurrence of c.2098-9T>C in individuals affected with Tuberous Sclerosis Complex and no experimental evidence demonstrating its impact on protein function have been reported. One submitter has cited clinical-significance assessments for this variant to ClinVar after 2014 and has classified the variant as likely benign. Based on the evidence outlined above, the variant was classified as likely benign.

All of Us Research Program, National Institutes of Health
Classification: Benign for Tuberous sclerosis syndrome. Last evaluated: 2023-04-10. Review status: criteria provided, single submitter. Criteria: ACMG Guidelines, 2015. Collection method: clinical testing. Allele origin: germline. Inheritance: Autosomal dominant inheritance. Observed: 1 variant allele, 1 heterozygote.
Comment: This study involves interpretation of variants in research participants for the purpose of population health screening. Participant phenotype was not available at the time of variant classification. Additional details can be found in publication PMID: 35346344, PMCID: PMC8962531

Color Diagnostics, LLC DBA Color Health
Classification: Benign for Tuberous sclerosis syndrome. Last evaluated: 2022-11-22. Review status: criteria provided, single submitter. Criteria: ACMG Guidelines, 2015. Collection method: clinical testing. Allele origin: germline.

NM_000548.5(TSC2):c.2098-9T>C

Gene: TSC2 (TSC complex subunit 2; plus strand). Cytogenetic location: 16p13.3.
Variant type: single nucleotide variant.
Coding change: c.2098-9T>C on transcript NM_000548.5 (MANE Select); 9 bases into the intron before coding-DNA position 2098, T replaced by C.
Molecular consequence: intron variant.
Genome position (GRCh38, 1-based): chr16:2,072,232, T>C. VCF-style: chr16-2072232-T-C. GRCh37 (hg19) VCF-style: chr16-2122233-T-C.
Other names: c.2098-9T>C (NM_001114382.3, NM_021055.3, NM_001370405.1 and 3 more transcripts); c.1987-9T>C (NM_001318827.2); c.1498-9T>C (NM_001318831.2); c.1951-9T>C (NM_001318829.2); c.2131-9T>C (NM_001318832.2).
Identifiers: ClinVar variation 772220 (VCV000772220.13), dbSNP rs755416873, ClinGen allele CA036660.